The following is an entry in ClinVar:

ClinVar aggregate classification (germline): Uncertain significance (1 of 4 stars; one submission).

Conditions:
Dilated cardiomyopathy 1DD (CMD1DD). Identifiers: Orphanet 154, MedGen C2750995, MONDO:0013168, OMIM 613172.

Submission:

Labcorp Genetics (formerly Invitae), Labcorp
Classification: Uncertain significance for Dilated cardiomyopathy 1DD. Last evaluated: 2024-08-19. Review status: criteria provided, single submitter. Criteria: Invitae Variant Classification Sherloc (09022015). Collection method: clinical testing. Allele origin: germline.
Comment: This sequence change replaces proline, which is neutral and non-polar, with serine, which is neutral and polar, at codon 407 of the RBM20 protein (p.Pro407Ser). This variant is not present in population databases (gnomAD no frequency). This variant has not been reported in the literature in individuals affected with RBM20-related conditions. Invitae Evidence Modeling of protein sequence and biophysical properties (such as structural, functional, and spatial information, amino acid conservation, physicochemical variation, residue mobility, and thermodynamic stability) has been performed for this missense variant. However, the output from this modeling did not meet the statistical confidence thresholds required to predict the impact of this variant on RBM20 protein function. In summary, the available evidence is currently insufficient to determine the role of this variant in disease. Therefore, it has been classified as a Variant of Uncertain Significance.

NM_001134363.3(RBM20):c.1219C>T (p.Pro407Ser)

Gene: RBM20 (RNA binding motif protein 20; plus strand). Cytogenetic location: 10q25.2.
Variant type: single nucleotide variant.
Coding change: c.1219C>T on transcript NM_001134363.3 (MANE Select); coding-DNA position 1219, C replaced by T.
Protein change: p.Pro407Ser; replaces proline 407 with serine.
Molecular consequence: missense variant.
Genome position (GRCh38, 1-based): chr10:110,781,828, C>T. VCF-style: chr10-110781828-C-T. GRCh37 (hg19) VCF-style: chr10-112541586-C-T.
Other names: short protein forms P407S.
Identifiers: ClinVar variation 3615392 (VCV003615392.2).
Genomic context (GRCh38, chr10:110,781,828, plus strand): 5'-GCGTTGCTATCTGTGCGGCCCCTGCAGGCTCATGAGCTGAACGACTTTCACGGTGTGGCC[C>T]CCCTCCACTTGCCGCATATCTGTAGCATCTGTGACAAGAAGGTGTTTGATTTGAAGGTGA-3'
Protein context (NP_001127835.2, residues 397-417): HELNDFHGVA[Pro407Ser]LHLPHICSIC